The following is an entry in ClinVar:

NM_177438.3(DICER1):c.1402G>T (p.Asp468Tyr)

Gene: DICER1 (dicer 1, ribonuclease III; minus strand). Cytogenetic location: 14q32.13.
Variant type: single nucleotide variant.
Coding change: c.1402G>T on transcript NM_177438.3 (MANE Select); coding-DNA position 1402, G replaced by T.
Protein change: p.Asp468Tyr; replaces aspartic acid 468 with tyrosine.
Molecular consequence: missense variant. On other transcripts: 5 prime UTR variant (1), non-coding transcript variant (6).
Genome position (GRCh38, 1-based): chr14:95,117,729, C>A on the plus strand (G>T on the coding strand, the complement: DICER1 is on the minus strand). VCF-style: chr14-95117729-C-A. GRCh37 (hg19) VCF-style: chr14-95584066-C-A.
Other names: c.1402G>T, p.Asp468Tyr (NM_001195573.1, NM_001271282.3, NM_001291628.2 and 13 more transcripts); c.1120G>T, p.Asp374Tyr (NM_001395686.1); c.997G>T, p.Asp333Tyr (NM_001395687.1, NM_001395688.1, NM_001395689.1 and 3 more transcripts); c.835G>T, p.Asp279Tyr (NM_001395691.1); c.-167G>T (NM_001395697.1); short protein forms D279Y, D374Y, D468Y, D333Y.
Identifiers: ClinVar variation 1771849 (VCV001771849.5), dbSNP rs2543063609, ClinGen allele CA390885647.

ClinVar aggregate classification (germline): Uncertain significance. Review status: criteria provided, multiple submitters, no conflicts (2 of 4 stars). 2 submissions from 2 submitters: Uncertain significance (2). Last evaluated 2025-01-26.

Conditions:
DICER1-related tumor predisposition. Also called: DICER1-related pleuropulmonary blastoma cancer predisposition syndrome; DICER1 syndrome. Identifiers: Orphanet 284343, MedGen C3839822, MONDO:0100216.
Hereditary cancer-predisposing syndrome. Also called: Tumor predisposition; Neoplastic Syndromes, Hereditary; Hereditary Cancer Syndrome; Hereditary neoplastic syndrome. Identifiers: Orphanet 140162, MedGen C0027672, MeSH D009386, MONDO:0015356.

Submissions (2):

Labcorp Genetics (formerly Invitae), Labcorp
Classification: Uncertain significance for DICER1-related tumor predisposition. Last evaluated: 2025-01-26. Review status: criteria provided, single submitter. Criteria: Invitae Variant Classification Sherloc (09022015). Collection method: clinical testing. Allele origin: germline.
Comment: This sequence change replaces aspartic acid, which is acidic and polar, with tyrosine, which is neutral and polar, at codon 468 of the DICER1 protein (p.Asp468Tyr). This variant is not present in population databases (gnomAD no frequency). This variant has not been reported in the literature in individuals affected with DICER1-related conditions. ClinVar contains an entry for this variant (Variation ID: 1771849). Invitae Evidence Modeling of protein sequence and biophysical properties (such as structural, functional, and spatial information, amino acid conservation, physicochemical variation, residue mobility, and thermodynamic stability) indicates that this missense variant is not expected to disrupt DICER1 protein function with a negative predictive value of 95%. In summary, the available evidence is currently insufficient to determine the role of this variant in disease. Therefore, it has been classified as a Variant of Uncertain Significance.

Ambry Genetics
Classification: Uncertain significance for Hereditary cancer-predisposing syndrome. Last evaluated: 2024-11-19. Review status: criteria provided, single submitter. Criteria: Ambry Variant Classification Scheme 2023. Collection method: clinical testing. Allele origin: germline.
Comment: The p.D468Y variant (also known as c.1402G>T), located in coding exon 8 of the DICER1 gene, results from a G to T substitution at nucleotide position 1402. The aspartic acid at codon 468 is replaced by tyrosine, an amino acid with highly dissimilar properties. This amino acid position is highly conserved in available vertebrate species. In addition, this alteration is predicted to be deleterious by in silico analysis. Based on the available evidence, the clinical significance of this variant remains unclear.